The following is an entry in ClinVar:

ClinVar aggregate classification (germline): Likely benign. Review status: criteria provided, multiple submitters, no conflicts (2 of 4 stars). 4 submissions from 4 submitters: Likely benign (4). Last evaluated 2026-01-08.

Allele frequency attached by ClinVar (database versions not stated): gnomAD exomes 0.00002 and 0.00008; ExAC 0.00003; gnomAD 0.00003; TOPMed 0.00003.
gnomAD v4.1: 120 of 1,613,760 alleles (0.0074%); highest among the groups gnomAD compares: Non-Finnish European, 0.0092%; no homozygotes.

Submissions (4):

Labcorp Genetics (formerly Invitae), Labcorp
Classification: Likely benign. Last evaluated: 2026-01-08. Review status: criteria provided, single submitter. Criteria: Invitae Variant Classification Sherloc (09022015). Collection method: clinical testing. Allele origin: germline.

CeGaT Center for Human Genetics Tuebingen
Classification: Likely benign. Last evaluated: 2024-02-01. Review status: criteria provided, single submitter. Criteria: CeGaT Center For Human Genetics Tuebingen Variant Classification Criteria Version 2. Collection method: clinical testing. Allele origin: germline. Affected: yes. Observed: 1 variant allele.
Comment: CDH23: BP4, BP7

Blueprint Genetics
Classification: Likely benign. Last evaluated: 2023-08-08. Review status: criteria provided, single submitter. Criteria: ACMG Guidelines, 2015. Collection method: clinical testing. Allele origin: germline.

Laboratory for Molecular Medicine, Mass General Brigham Personalized Medicine
Classification: Likely benign. Last evaluated: 2012-04-30. Review status: criteria provided, single submitter. Criteria: LMM Criteria. Collection method: clinical testing. Allele origin: germline. Observed: 1 variant allele.
Comment: Ala2762Ala in Exon 58 of CDH23: This variant is not expected to have clinical si gnificance because it does not alter an amino acid residue, is not located withi n the splice consensus sequence, and has been identified in 1/3570 African Ameri can chromosomes from a broad population by the NHLBI Exome Sequencing Project.

NM_022124.6(CDH23):c.8286G>A (p.Ala2762=)

Gene: CDH23 (cadherin related 23; plus strand). Cytogenetic location: 10q22.1.
Variant type: single nucleotide variant.
Coding change: c.8286G>A on transcript NM_022124.6 (MANE Select); coding-DNA position 8286, G replaced by A.
Protein change: p.Ala2762=; no amino-acid change (alanine 2762 retained).
Molecular consequence: synonymous variant.
Genome position (GRCh38, 1-based): chr10:71,807,384, G>A. VCF-style: chr10-71807384-G-A. GRCh37 (hg19) VCF-style: chr10-73567141-G-A.
Other names: c.1566G>A, p.Ala522= (NM_001171933.1, NM_001171934.1).
Identifiers: ClinVar variation 178311 (VCV000178311.36), dbSNP rs727504445, ClinGen allele CA182084.